The following is an entry in ClinVar:

NM_007074.4(CORO1A):c.227C>T (p.Thr76Met)

Gene: CORO1A (coronin 1A; plus strand). Cytogenetic location: 16p11.2.
Variant type: single nucleotide variant.
Coding change: c.227C>T on transcript NM_007074.4 (MANE Select); coding-DNA position 227, C replaced by T.
Protein change: p.Thr76Met; replaces threonine 76 with methionine.
Molecular consequence: missense variant.
Genome position (GRCh38, 1-based): chr16:30,186,626, C>T. VCF-style: chr16-30186626-C-T. GRCh37 (hg19) VCF-style: chr16-30197947-C-T.
Other names: c.227C>T, p.Thr76Met (NM_001193333.3); short protein forms T76M.
Identifiers: ClinVar variation 1519775 (VCV001519775.4), dbSNP rs768984732, ClinGen allele CA8003062.
Genomic context (GRCh38, chr16:30,186,626, plus strand): 5'-AAAGCACCTCCAAGGCCCTGCTGTGCCTTTAGACTGGACGTGTGGACAAGAATGCGCCCA[C>T]GGTCTGTGGCCACACAGCCCCTGTGCTAGACATCGCCTGGTGCCCGCACAATGACAACGT-3'
Protein context (NP_009005.1, residues 66-86): KTGRVDKNAP[Thr76Met]VCGHTAPVLD

ClinVar aggregate classification (germline): Conflicting classifications of pathogenicity. Review status: criteria provided, conflicting classifications (1 of 4 stars). 2 submissions from 2 submitters: Uncertain significance (1); Likely benign (1). Last evaluated 2024-09-23.

Conditions:
Severe combined immunodeficiency due to CORO1A deficiency. Also called: Immunodeficiency 8; IMMUNODEFICIENCY 8 WITH LYMPHOPROLIFERATION. Identifiers: Orphanet 228003, MedGen C3809383, MONDO:0014168, OMIM 615401.

Allele frequency attached by ClinVar (database versions not stated): ExAC 0.00001; gnomAD 0.00001; gnomAD exomes 0.00001; TOPMed 0.00001.
gnomAD v4.1: 25 of 1,612,590 alleles (0.0016%); highest among the groups gnomAD compares: Middle Eastern, 0.02%; no homozygotes.

Submissions (2):

Blueprint Genetics
Classification: Likely benign. Last evaluated: 2024-09-23. Review status: criteria provided, single submitter. Criteria: ACMG Guidelines, 2015. Collection method: clinical testing. Allele origin: germline.

Labcorp Genetics (formerly Invitae), Labcorp
Classification: Uncertain significance for Severe combined immunodeficiency due to CORO1A deficiency. Last evaluated: 2022-10-25. Review status: criteria provided, single submitter. Criteria: Invitae Variant Classification Sherloc (09022015). Collection method: clinical testing. Allele origin: germline.
Comment: This sequence change replaces threonine, which is neutral and polar, with methionine, which is neutral and non-polar, at codon 76 of the CORO1A protein (p.Thr76Met). This variant is present in population databases (rs768984732, gnomAD 0.003%). This variant has not been reported in the literature in individuals affected with CORO1A-related conditions. ClinVar contains an entry for this variant (Variation ID: 1519775). Advanced modeling of protein sequence and biophysical properties (such as structural, functional, and spatial information, amino acid conservation, physicochemical variation, residue mobility, and thermodynamic stability) performed at Invitae indicates that this missense variant is not expected to disrupt CORO1A protein function. In summary, the available evidence is currently insufficient to determine the role of this variant in disease. Therefore, it has been classified as a Variant of Uncertain Significance.